The following is an entry in ClinVar:

NM_006086.4(TUBB3):c.1228G>A (p.Glu410Lys)

Gene: TUBB3 (tubulin beta 3 class III; plus strand). Cytogenetic location: 16q24.3.
Variant type: single nucleotide variant.
Coding change: c.1228G>A on transcript NM_006086.4 (MANE Select); coding-DNA position 1228, G replaced by A.
Protein change: p.Glu410Lys; replaces glutamic acid 410 with lysine.
Molecular consequence: missense variant.
Genome position (GRCh38, 1-based): chr16:89,935,679, G>A. VCF-style: chr16-89935679-G-A. GRCh37 (hg19) VCF-style: chr16-90002087-G-A.
Other names: c.1012G>A, p.Glu338Lys (NM_001197181.2); short protein forms E410K, E338K.
Identifiers: ClinVar variation 6967 (VCV000006967.26), dbSNP rs267607165, ClinGen allele CA213335.

ClinVar aggregate classification (germline): Pathogenic. Review status: criteria provided, multiple submitters, no conflicts (2 of 4 stars). 15 submissions from 15 submitters: Pathogenic (12). 3 of the submissions do not count toward it. Last evaluated 2025-12-29.

Conditions:
CONGENITAL FIBROSIS OF EXTRAOCULAR MUSCLES 3A, SYNDROMIC 1, WITH ANOSMIA AND DEVELOPMENTAL DELAY (CFEOM3A1). Identifiers: MedGen CN382231, OMIM 621655.
TUBB3-related tubulinopathy. Identifiers: MedGen CN322634, MONDO:0100154.
TUBB3-Releated Disorders.
Inborn genetic diseases. Identifiers: MedGen C0950123, MeSH D030342.
Complex cortical dysplasia with other brain malformations 1. Identifiers: Orphanet 300570, MedGen C3808397, MONDO:0013541, OMIM 614039.
Fibrosis of extraocular muscles, congenital, 3A, with or without extraocular involvement. Also called: CONGENITAL FIBROSIS OF EXTRAOCULAR MUSCLES 3A; FEOM3 LOCUS. Identifiers: MedGen C2748801, MONDO:0010912, OMIM 600638.
TUBB3-related disorder. Also called: TUBB3-related disorders; TUBB3-related condition.

Submissions (15):

Genetics and Molecular Pathology, SA Pathology
Classification: Pathogenic for TUBB3-related tubulinopathy. Last evaluated: 2025-12-29. Review status: criteria provided, single submitter. Criteria: ACMG Guidelines, 2015. Collection method: clinical testing. Allele origin: germline. Affected: yes.

Ambry Genetics
Classification: Pathogenic for Inborn genetic diseases. Last evaluated: 2025-10-21. Review status: criteria provided, single submitter. Criteria: Ambry Variant Classification Scheme 2023. Collection method: clinical testing. Allele origin: germline.
Comment: The c.1228G>A (p.E410K) alteration is located in exon 4 (coding exon 4) of the TUBB3 gene. This alteration results from a G to A substitution at nucleotide position 1228, causing the glutamic acid (E) at amino acid position 410 to be replaced by a lysine (K). This variant was not reported in population-based cohorts in the Genome Aggregation Database (gnomAD). This variant was reported in individual(s) with features consistent with TUBB3-related tubulinopathy; in at least one individual, it was determined to be de novo (Tischfield, 2010; Dentici, 2020; Jo, 2024). This amino acid position is highly conserved in available vertebrate species. This missense alteration is located in a region that has a low rate of benign missense variation (Lek, 2016; Firth, 2009). This alteration is predicted to be deleterious by in silico analysis. Based on the available evidence, this alteration is classified as pathogenic.

3billion
Classification: Pathogenic for TUBB3-related disorder. Last evaluated: 2025-08-19. Review status: criteria provided, single submitter. Criteria: ACMG Guidelines, 2015. Collection method: clinical testing. Allele origin: germline. Affected: yes.
Comment: The variant is not observed in the gnomAD v4.1.0 dataset. Predicted Consequence/Location: Missense variant. Missense changes are a common disease-causing mechanism. In silico tool predictions suggest damaging effect of the variant on gene or gene product [REVEL: 0.70 (>=0.6, sensitivity 0.68 and specificity 0.92); 3Cnet: 0.93 (> 0.75, sensitivity 0.96 and precision 0.92)]. The same nucleotide change resulting in the same amino acid change has been previously reported as pathogenic/likely pathogenic with strong evidence (ClinVar ID: VCV000006967 /PMID: 20074521 /3billion dataset). The variant has been previously reported as de novo in a similarly affected individual (PMID: 20074521). The variant has been observed in multiple (>3) similarly affected unrelated individuals (PMID: 20074521). A different missense change at the same codon (p.Glu410Val) has been reported to be associated with TUBB3-related disorder (PMID: 24612975). Therefore, this variant is classified as Pathogenic according to the recommendation of ACMG/AMP guideline.

Dasa
Classification: Pathogenic. Last evaluated: 2025-07-01. Review status: criteria provided, single submitter. Criteria: DASA Assertion Criteria. Collection method: clinical testing. Allele origin: germline.
Comment: NM_006086.4(TUBB3):c.1228G>A (p.Glu410Lys) is a missense variant that results in the substitution of glutamic acid with lysine. De novo occurrence has been reported in an individual with related phenotype. Functional evidence supports a deleterious effect on the gene or gene product (PMID: 20074521; PMID: 28299356; PMID: 32573066). This variant has been recurrently observed in individuals with related phenotype (PMID: 20074521; PMID: 28299356; PMID: 32573066). Multiple computational predictions support a deleterious effect on the gene or gene product. The variant is present at low frequency in population datasets. Based on the available data, this variant is classified as pathogenic.

Labcorp Genetics (formerly Invitae), Labcorp
Classification: Pathogenic. Last evaluated: 2024-02-02. Review status: criteria provided, single submitter. Criteria: Invitae Variant Classification Sherloc (09022015). Collection method: clinical testing. Allele origin: germline.
Comment: This sequence change replaces glutamic acid, which is acidic and polar, with lysine, which is basic and polar, at codon 410 of the TUBB3 protein (p.Glu410Lys). This variant is not present in population databases (gnomAD no frequency). This missense change has been observed in individual(s) with clinical features of cortical dysplasia (PMID: 28299356, 30440138, 32573066). In at least one individual the variant was observed to be de novo. ClinVar contains an entry for this variant (Variation ID: 6967). Advanced modeling of protein sequence and biophysical properties (such as structural, functional, and spatial information, amino acid conservation, physicochemical variation, residue mobility, and thermodynamic stability) performed at Invitae indicates that this missense variant is expected to disrupt TUBB3 protein function with a positive predictive value of 80%. For these reasons, this variant has been classified as Pathogenic.

PreventionGenetics, part of Exact Sciences
Classification: Pathogenic for TUBB3-related condition. Last evaluated: 2023-05-10. Review status: criteria provided, single submitter. Criteria: ACMG Guidelines, 2015. Collection method: clinical testing. Allele origin: germline.
Comment: The TUBB3 c.1228G>A variant is predicted to result in the amino acid substitution p.Glu410Lys. This variant has been reported to occur de novo in multiple individuals affected by what is known as 'TUBB3 E410K syndrome' (Chew et al. 2013. PubMed ID: 23378218; Romaniello et al. 2017. PubMed ID: 28677066; Tischfield et al. 2010. PubMed ID: 20074521; Grant et al. 2018. PubMed ID: 30272120). Patients were reported to have congenital fibrosis of the extraocular muscles, facial weakness, developmental delay, and possible peripheral neuropathy; however, early signs of this disorder may include fetal distress, stridor, and/or tracheomalacia (Chew et al. 2013. PubMed ID: 23378218). In vitro functional studies indicate that the p.Glu410Lys change significantly inhibits axonal transport of vesicles and mitochondria (Niwa et al. 2013. PubMed ID: 23503589). This variant has not been reported in a large population database, indicating this variant is rare. Given the evidence, we interpret c.1228G>A (p.Glu410Lys) as pathogenic.

Blueprint Genetics
Classification: Pathogenic for TUBB3-related disorders. Last evaluated: 2022-12-20. Review status: criteria provided, single submitter. Criteria: ACMG Guidelines, 2015. Collection method: clinical testing. Allele origin: germline. Affected: yes. Observed: 3 variant alleles.

GeneDx
Classification: Pathogenic. Last evaluated: 2022-09-06. Review status: criteria provided, single submitter. Criteria: GeneDx Variant Classification Process June 2021. Collection method: clinical testing. Allele origin: germline. Affected: yes.
Comment: Published functional studies demonstrate E410K affected microtubule polymerization and depolymerization rates as well as kinesin interactions on microtubules and reduced axonal transport of mitochondria in peripheral neurons independent of tubulin isoform (Tischfield et al., 2010; Niwa et al., 2013); Missense variants in this gene are often considered pathogenic (HGMD); Not observed at significant frequency in large population cohorts (gnomAD); In silico analysis supports that this missense variant does not alter protein structure/function; This variant is associated with the following publications: (PMID: 29289389, 30272120, 23378218, 25559402, 28299356, 30440138, 29382549, 28677066, 31226147, 20074521, 32573066, 20301522, 20829227, 32005694, 23503589)

Rady Children's Institute for Genomic Medicine, Rady Children's Hospital San Diego
Classification: Pathogenic for TUBB3-Releated Disorders. Last evaluated: 2019-06-19. Review status: criteria provided, single submitter. Criteria: ACMG Guidelines, 2015. Collection method: clinical testing. Allele origin: germline. Affected: yes.
Comment: This variant has been previously reported as a de novo heterozygous change in patients with hypoplasia of oculomotor nerves, hypoplasia of the corpus callosum, developmental delay, facial weakness, and cyclic vomiting (PMID: 20074521, 23378218, 25559402, 29289389). Functional studies have shown that the c.1228G>A (p.Glu410Lys) variant inhibits axonal transport of vesicles and mitochondria (PMID: 23503589). This variant is in the H12 helix of beta-tubulin and changes the negative charge on the surface of the microtubule, which is important for binding to kinesin superfamily motor proteins (KIFs). The disrupted binding of axonal transport KIFs to microtubules alters the localization of KIFs in neurons and inhibits axon elongation (PMID: 23503589). It is absent from the ExAC and gnomAD population databases and thus is presumed to be rare. The c.1228G>A (p.Glu410Lys) variant affects a highly conserved amino acid and is predicted by multiple in silico tools to have a deleterious effect on protein function. Analysis of the parental samples showed the mother is negative and the father is negative for this variant, indicating this likely occurred as a de novo event. Based on the available evidence, the c.1228G>A (p.Glu410Lys) variant is classified as Pathogenic.

Centre for Mendelian Genomics, University Medical Centre Ljubljana
Classification: Pathogenic for Complex cortical dysplasia with other brain malformations 1. Last evaluated: 2016-01-01. Review status: criteria provided, single submitter. Criteria: ACMG Guidelines, 2015. Collection method: clinical testing. Allele origin: unknown. Affected: yes.
Comment: This variant was classified as: Pathogenic. The following ACMG criteria were applied in classifying this variant: PS1,PS3,PM2.

Genetic Services Laboratory, University of Chicago
Classification: Pathogenic for Cortical dysplasia, complex, with other brain malformations 1. Last evaluated: 2015-06-04. Review status: criteria provided, single submitter. Criteria: ACMG Guidelines, 2015. Collection method: clinical testing. Allele origin: germline. Affected: yes.

Juno Genomics, Hangzhou Juno Genomics, Inc
Classification: Pathogenic for Complex cortical dysplasia with other brain malformations 1; Fibrosis of extraocular muscles, congenital, 3A, with or without extraocular involvement. Review status: criteria provided, single submitter. Criteria: ACMG Guidelines, 2015. Collection method: clinical testing. Allele origin: germline.
Comment: Absent from controls (or at extremely low frequency if recessive) in Genome Aggregation Database.;Missense variant in a gene that has a low rate of benign missense variation.;Multiple lines of computational evidence support a deleterious effect on the gene or gene product.;The prevalence of the variant in affected individuals is significantly increased compared to the prevalence in controls.;Assumed de novo, but without confirmation of paternity and maternity.

CHU Sainte-Justine Research Center, University of Montreal
Classification: Pathogenic for Fibrosis of extraocular muscles, congenital, 3A, with or without extraocular involvement. Last evaluated: 2016-08-12. Review status: no assertion criteria provided. Collection method: research. Allele origin: de novo. Affected: yes. Not counted in ClinVar's aggregate classification.
Comment: More than 6 individuals described with this mutation, and in vitro functional studies

OMIM
Classification: Pathogenic for CONGENITAL FIBROSIS OF EXTRAOCULAR MUSCLES 3A, SYNDROMIC 1, WITH ANOSMIA AND DEVELOPMENTAL DELAY. Last evaluated: 2013-02-01. Review status: no assertion criteria provided. Collection method: literature only. Allele origin: germline. Not counted in ClinVar's aggregate classification.

GeneReviews
No classification provided. Condition: Fibrosis of extraocular muscles, congenital, 3A, with or without extraocular involvement. Review status: no classification provided. Collection method: literature only. Allele origin: germline. Not counted in ClinVar's aggregate classification.

Literature cited by the submitters: PubMed 20074521 (cited by 6 submitters); PubMed 32573066 (cited by 4 submitters); PubMed 38281861 (cited by Ambry Genetics); PubMed 24612975 (cited by 3billion); PubMed 28299356 (cited by Dasa and Labcorp Genetics (formerly Invitae), Labcorp); PubMed 30440138 (cited by Labcorp Genetics (formerly Invitae), Labcorp); PubMed 23378218 (cited by OMIM and GeneReviews); PubMed 25559402 (cited by OMIM); PubMed 29289389 (cited by OMIM); PubMed 34435630 (cited by OMIM); PubMed 36494820 (cited by OMIM); PubMed 20301522 (cited by GeneReviews).